The following is an entry in ClinVar:

ClinVar aggregate classification (germline): Uncertain significance (1 of 4 stars; one submission).

Conditions:
Neuroblastoma, susceptibility to, 3. Also called: ALK-Related Neuroblastic Tumor Susceptibility. Identifiers: Orphanet 635, MedGen C2751681, MONDO:0013083, OMIM 613014.

Allele frequency attached by ClinVar (database versions not stated): TOPMed 0.00001.

Submission:

Labcorp Genetics (formerly Invitae), Labcorp
Classification: Uncertain significance for Neuroblastoma, susceptibility to, 3. Last evaluated: 2022-03-21. Review status: criteria provided, single submitter. Criteria: Invitae Variant Classification Sherloc (09022015). Collection method: clinical testing. Allele origin: germline.
Comment: In summary, the available evidence is currently insufficient to determine the role of this variant in disease. Therefore, it has been classified as a Variant of Uncertain Significance. Algorithms developed to predict the effect of missense changes on protein structure and function (SIFT, PolyPhen-2, Align-GVGD) all suggest that this variant is likely to be disruptive. This variant has not been reported in the literature in individuals affected with ALK-related conditions. This variant is not present in population databases (gnomAD no frequency). This sequence change replaces glutamic acid, which is acidic and polar, with lysine, which is basic and polar, at codon 1558 of the ALK protein (p.Glu1558Lys).

NM_004304.5(ALK):c.4672G>A (p.Glu1558Lys)

Gene: ALK (ALK receptor tyrosine kinase; minus strand). Cytogenetic location: 2p23.2.
Variant type: single nucleotide variant.
Coding change: c.4672G>A on transcript NM_004304.5 (MANE Select); coding-DNA position 4672, G replaced by A.
Protein change: p.Glu1558Lys; replaces glutamic acid 1558 with lysine.
Molecular consequence: missense variant.
Genome position (GRCh38, 1-based): chr2:29,193,415, C>T on the plus strand (G>A on the coding strand, the complement: ALK is on the minus strand). VCF-style: chr2-29193415-C-T. GRCh37 (hg19) VCF-style: chr2-29416281-C-T.
Other names: c.1468G>A, p.Glu490Lys (NM_001353765.2); short protein forms E490K, E1558K.
Identifiers: ClinVar variation 1971589 (VCV001971589.5), dbSNP rs1181414697, ClinGen allele CA346460488.
Genomic context (GRCh38, chr2:29,193,415, plus strand): 5'-GGAAGTGACGTAGCCTGAACAGAGGTACCTCCTTCATATTGGCAGTCAGCGAAGAGGGCT[C>T]TAGGAGCAGTGAGGCCCCCGGAAGTCTCCCAGTTGCAACGTTAGGTGGGACAGTACAGCT-3'
Protein context (NP_004295.2, residues 1548-1568): GRLPGASLLL[Glu1558Lys]PSSLTANMKE